The following is an entry in ClinVar:

NM_000334.4(SCN4A):c.4099A>G (p.Met1367Val)

Genes: GH-LCR (growth hormone locus control region; plus strand), SCN4A (sodium voltage-gated channel alpha subunit 4; minus strand). Cytogenetic location: 17q23.3.
Variant type: single nucleotide variant.
Coding change: c.4099A>G on transcript NM_000334.4 (MANE Select); coding-DNA position 4099, A replaced by G.
Protein change: p.Met1367Val; replaces methionine 1367 with valine.
Molecular consequence: missense variant.
Genome position (GRCh38, 1-based): chr17:63,943,015, T>C on the plus strand (A>G on the coding strand, the complement: SCN4A is on the minus strand). VCF-style: chr17-63943015-T-C. GRCh37 (hg19) VCF-style: chr17-62020375-T-C.
Other names: short protein forms M1367V.
Identifiers: ClinVar variation 1974367 (VCV001974367.2), dbSNP rs770769288, ClinGen allele CA8709052.

ClinVar aggregate classification (germline): Uncertain significance (1 of 4 stars; one submission).

Conditions:
Hyperkalemic periodic paralysis. Also called: Familial hyperkalemic periodic paralysis; Gamstorp disease. Identifiers: Orphanet 682, MedGen C0238357, MONDO:0008224, OMIM 170500, HP:0007215.

Allele frequency attached by ClinVar (database versions not stated): ExAC 0.00001; gnomAD exomes 0.00001.

Submission:

Labcorp Genetics (formerly Invitae), Labcorp
Classification: Uncertain significance for Hyperkalemic periodic paralysis. Last evaluated: 2022-09-17. Review status: criteria provided, single submitter. Criteria: Invitae Variant Classification Sherloc (09022015). Collection method: clinical testing. Allele origin: germline.
Comment: This sequence change replaces methionine, which is neutral and non-polar, with valine, which is neutral and non-polar, at codon 1367 of the SCN4A protein (p.Met1367Val). This variant is present in population databases (rs770769288, gnomAD 0.0009%). This variant has not been reported in the literature in individuals affected with SCN4A-related conditions. Advanced modeling of protein sequence and biophysical properties (such as structural, functional, and spatial information, amino acid conservation, physicochemical variation, residue mobility, and thermodynamic stability) has been performed at Invitae for this missense variant, however the output from this modeling did not meet the statistical confidence thresholds required to predict the impact of this variant on SCN4A protein function. In summary, the available evidence is currently insufficient to determine the role of this variant in disease. Therefore, it has been classified as a Variant of Uncertain Significance.